The following is an entry in ClinVar:

ClinVar aggregate classification (germline): Conflicting classifications of pathogenicity. Review status: criteria provided, conflicting classifications (1 of 4 stars). 8 submissions from 8 submitters: Uncertain significance (4); Likely benign (3). 1 of the submissions does not count toward it. Last evaluated 2025-07-08.

Conditions:
Hereditary cancer-predisposing syndrome. Also called: Tumor predisposition; Hereditary neoplastic syndrome; Neoplastic Syndromes, Hereditary; Hereditary Cancer Syndrome. Identifiers: Orphanet 140162, MedGen C0027672, MeSH D009386, MONDO:0015356.
Familial cancer of breast. Also called: hereditary breast carcinoma; Hereditary breast cancer; BREAST CANCER, FAMILIAL. Identifiers: Orphanet 227535, MedGen C0346153, MONDO:0016419, OMIM 114480. Disease mechanism: loss of function.
Breast-ovarian cancer, familial, susceptibility to, 2 (BROVCA2). Also called: BRCA2 Hereditary Breast and Ovarian Cancer. Identifiers: Orphanet 145, MedGen C2675520, MONDO:0012933, OMIM 612555. Disease mechanism: loss of function.
Hereditary breast ovarian cancer syndrome. Also called: Hereditary breast and ovarian cancer syndrome; Hereditary breast and ovarian cancer syndrome (HBOC); Breast and ovarian cancer; BRCA1- and BRCA2-Associated Hereditary Breast and Ovarian Cancer; Hereditary breast and ovarian cancer; Hereditary breast and/or ovarian cancer syndrome. Identifiers: Orphanet 145, MedGen C0677776, MeSH D061325, MONDO:0003582. Disease mechanism: loss of function.

gnomAD v4.1: 1 of 1,613,764 alleles (0.000062%); highest among the groups gnomAD compares: Non-Finnish European, 0.000085%; no homozygotes.

Submissions (8):

Labcorp Genetics (formerly Invitae), Labcorp
Classification: Uncertain significance for Hereditary breast ovarian cancer syndrome. Last evaluated: 2025-07-08. Review status: criteria provided, single submitter. Criteria: Invitae Variant Classification Sherloc (09022015). Collection method: clinical testing. Allele origin: germline.
Comment: This sequence change replaces leucine, which is neutral and non-polar, with phenylalanine, which is neutral and non-polar, at codon 1904 of the BRCA2 protein (p.Leu1904Phe). This variant is not present in population databases (gnomAD no frequency). This variant has not been reported in the literature in individuals affected with BRCA2-related conditions. ClinVar contains an entry for this variant (Variation ID: 126074). Invitae Evidence Modeling of protein sequence and biophysical properties (such as structural, functional, and spatial information, amino acid conservation, physicochemical variation, residue mobility, and thermodynamic stability) indicates that this missense variant is not expected to disrupt BRCA2 protein function with a negative predictive value of 95%. In summary, the available evidence is currently insufficient to determine the role of this variant in disease. Therefore, it has been classified as a Variant of Uncertain Significance.

Department of Pathology and Laboratory Medicine, Sinai Health System
Classification: Uncertain significance for Familial cancer of breast; Breast-ovarian cancer, familial, susceptibility to, 2. Last evaluated: 2023-11-06. Review status: criteria provided, single submitter. Criteria: ACMG Guidelines, 2015. Collection method: clinical testing. Allele origin: germline. Affected: yes.

All of Us Research Program, National Institutes of Health
Classification: Uncertain significance for Breast-ovarian cancer, familial, susceptibility to, 2. Last evaluated: 2023-10-27. Review status: criteria provided, single submitter. Criteria: ACMG Guidelines, 2015. Collection method: clinical testing. Allele origin: germline. Inheritance: Autosomal dominant inheritance. Observed: 2 variant alleles, 2 heterozygotes.
Comment: This missense variant replaces leucine with phenylalanine at codon 1904 of the BRCA2 protein. Computational prediction suggests that this variant may not impact protein structure and function (internally defined REVEL score threshold <= 0.5, PMID: 27666373). To our knowledge, functional studies have not been reported for this variant. This variant has been reported in 1 individual affected with breast cancer (PMID: 33471991; Leiden Open Variation Database DB-ID BRCA2_008365). This variant has not been identified in the general population by the Genome Aggregation Database (gnomAD). The available evidence is insufficient to determine the role of this variant in disease conclusively. Therefore, this variant is classified as a Variant of Uncertain Significance.

This study involves interpretation of variants in research participants for the purpose of population health screening. Participant phenotype was not available at the time of variant classification. Additional details can be found in publication PMID: 35346344, PMCID: PMC8962531

Blueprint Genetics
Classification: Likely benign. Last evaluated: 2023-07-03. Review status: criteria provided, single submitter. Criteria: ACMG Guidelines, 2015. Collection method: clinical testing. Allele origin: germline.

University of Washington Department of Laboratory Medicine, University of Washington
Classification: Likely benign for Hereditary cancer-predisposing syndrome. Last evaluated: 2023-03-23. Review status: criteria provided, single submitter. Criteria: Dines et al. (Genet Med. 2020). Collection method: curation. Allele origin: germline.
Comment: Missense variant in a coldspot region where missense variants are very unlikely to be pathogenic (PMID:31911673).

BRCA2 exon 11 coldspot. Reclassification based on statistical prior probability.

Ambry Genetics
Classification: Likely benign for Hereditary cancer-predisposing syndrome. Last evaluated: 2021-03-09. Review status: criteria provided, single submitter. Criteria: Ambry Variant Classification Scheme 2023. Collection method: clinical testing. Allele origin: germline.

GeneDx
Classification: Uncertain significance. Last evaluated: 2017-05-01. Review status: criteria provided, single submitter. Criteria: GeneDx Variant Classification (06012015). Collection method: clinical testing. Allele origin: germline. Affected: yes.
Comment: This variant is denoted BRCA2 c.5710C>T at the cDNA level, p.Leu1904Phe (L1904F) at the protein level, and results in the change of a Leucine to a Phenylalanine (CTT>TTT). Using alternate nomenclature, this variant would be defined as BRCA2 5938C>T. This variant has not, to our knowledge, been published in the literature as pathogenic or benign. BRCA2 Leu1904Phe was not observed in large population cohorts (NHLBI Exome Sequencing Project, The 1000 Genomes Consortium 2015, Lek 2016). Since Leucine and Phenylalanine share similar properties, this is considered a conservative amino acid substitution. BRCA2 Leu1904Phe occurs at a position that is not conserved and is located in the RAD51 binding domain (Roy 2012). In silico analyses predict that this variant is unlikely to alter protein structure or function. Based on currently available evidence, it is unclear whether BRCA2 Leu1904Phe is a pathogenic or benign variant. We consider it to be a variant of uncertain significance.

Breast Cancer Information Core (BIC) (BRCA2)
Classification: Uncertain significance for Breast-ovarian cancer, familial 2. Last evaluated: 2002-05-29. Review status: no assertion criteria provided. Collection method: clinical testing. Allele origin: germline. Affected: yes. Observed: 1 variant allele. Not counted in ClinVar's aggregate classification.

Literature cited by the submitters: PubMed 33471991 (cited by Department of Pathology and Laboratory Medicine, Sinai Health System and All of Us Research Program, National Institutes of Health).

NM_000059.4(BRCA2):c.5710C>T (p.Leu1904Phe)

Gene: BRCA2 (BRCA2 DNA repair associated; plus strand). Cytogenetic location: 13q13.1.
Variant type: single nucleotide variant.
Coding change: c.5710C>T on transcript NM_000059.4 (MANE Select); coding-DNA position 5710, C replaced by T.
Protein change: p.Leu1904Phe; replaces leucine 1904 with phenylalanine.
Molecular consequence: missense variant.
Genome position (GRCh38, 1-based): chr13:32,340,065, C>T. VCF-style: chr13-32340065-C-T. GRCh37 (hg19) VCF-style: chr13-32914202-C-T.
Other names: short protein forms L1904F.
Identifiers: ClinVar variation 126074 (VCV000126074.18), dbSNP rs55875643, ClinGen allele CA023027.
Genomic context (GRCh38, chr13:32,340,065, plus strand): 5'-ATTTGCCAAACGAAAATTATGGCAGGTTGTTACGAGGCATTGGATGATTCAGAGGATATT[C>T]TTCATAACTCTCTAGATAATGATGAATGTAGCACGCATTCACATAAGGTTTTTGCTGACA-3'
Protein context (NP_000050.3, residues 1894-1914): YEALDDSEDI[Leu1904Phe]HNSLDNDECS